The following is an entry in ClinVar:

NM_133497.4(KCNV2):c.368T>C (p.Leu123Pro)

Gene: KCNV2 (potassium voltage-gated channel modifier subfamily V member 2; plus strand). Cytogenetic location: 9p24.2.
Variant type: single nucleotide variant.
Coding change: c.368T>C on transcript NM_133497.4 (MANE Select); coding-DNA position 368, T replaced by C.
Protein change: p.Leu123Pro; replaces leucine 123 with proline.
Molecular consequence: missense variant.
Genome position (GRCh38, 1-based): chr9:2,718,107, T>C. VCF-style: chr9-2718107-T-C. GRCh37 (hg19) VCF-style: chr9-2718107-T-C.
Other names: short protein forms L123P.
Identifiers: ClinVar variation 2081218 (VCV002081218.3), dbSNP rs1423596411, ClinGen allele CA372796709.

ClinVar aggregate classification (germline): Uncertain significance. Review status: criteria provided, multiple submitters, no conflicts (2 of 4 stars). 2 submissions from 2 submitters: Uncertain significance (2). Last evaluated 2023-07-18.

Allele frequency attached by ClinVar (database versions not stated): TOPMed below 0.00001.
gnomAD v4.1: 1 of 1,600,722 alleles (0.000062%); highest among the groups gnomAD compares: Non-Finnish European, 0.000085%; no homozygotes.

Submissions (2):

Blueprint Genetics
Classification: Uncertain significance. Last evaluated: 2023-07-18. Review status: criteria provided, single submitter. Criteria: ACMG Guidelines, 2015. Collection method: clinical testing. Allele origin: germline.

Labcorp Genetics (formerly Invitae), Labcorp
Classification: Uncertain significance. Last evaluated: 2022-07-13. Review status: criteria provided, single submitter. Criteria: Invitae Variant Classification Sherloc (09022015). Collection method: clinical testing. Allele origin: germline.
Comment: Algorithms developed to predict the effect of missense changes on protein structure and function are either unavailable or do not agree on the potential impact of this missense change (SIFT: "Deleterious"; PolyPhen-2: "Probably Damaging"; Align-GVGD: "Class C0"). In summary, the available evidence is currently insufficient to determine the role of this variant in disease. Therefore, it has been classified as a Variant of Uncertain Significance. This variant has not been reported in the literature in individuals affected with KCNV2-related conditions. This variant is present in population databases (no rsID available, gnomAD 0.003%). This sequence change replaces leucine, which is neutral and non-polar, with proline, which is neutral and non-polar, at codon 123 of the KCNV2 protein (p.Leu123Pro).